The following is an entry in ClinVar:

NM_001009944.3(PKD1):c.276G>A (p.Ala92=)

Gene: PKD1 (polycystin 1, transient receptor potential channel interacting; minus strand). Cytogenetic location: 16p13.3.
Variant type: single nucleotide variant.
Coding change: c.276G>A on transcript NM_001009944.3 (MANE Select); coding-DNA position 276, G replaced by A.
Protein change: p.Ala92=; no amino-acid change (alanine 92 retained).
Molecular consequence: synonymous variant.
Genome position (GRCh38, 1-based): chr16:2,119,318, C>T on the plus strand (G>A on the coding strand, the complement: PKD1 is on the minus strand). VCF-style: chr16-2119318-C-T. GRCh37 (hg19) VCF-style: chr16-2169319-C-T.
Other names: p.Ala92=; c.276G>A, p.Ala92= (NM_000296.4).
Identifiers: ClinVar variation 433940 (VCV000433940.42), dbSNP rs374518168, ClinGen allele CA7833764.
Genomic context (GRCh38, chr16:2,119,318, plus strand): 5'-GCCCACCCGGAGTGAGCCCCGCATGCTGGCACGACTGGGGGACACTCACAGCTCTGCCAG[C>T]GCCGAGAGGTTCGCCAGGAGCCCAACGTCCAGCGCCCGGAGCAGGTTGTGGGAGACGTCT-3'
Protein context (NP_001009944.3, residues 82-102): LDVGLLANLS[Ala92=]LAELDISNNK

ClinVar aggregate classification (germline): Benign/Likely benign. Review status: criteria provided, multiple submitters, no conflicts (2 of 4 stars). 11 submissions from 11 submitters: Benign (8); Likely benign (2). 1 of the submissions does not count toward it. Last evaluated 2025-11-01.

Conditions:
Polycystic kidney disease, adult type (PKD1). Also called: POLYCYSTIC KIDNEY DISEASE, ADULT, TYPE I; Polycystic Kidney, Autosomal Dominant; POLYCYSTIC KIDNEY DISEASE 1 WITH OR WITHOUT POLYCYSTIC LIVER DISEASE; Polycystic Kidney Disease 1, Autosomal Dominant; Polycystic kidney disease 1; Polycystic kidney disease 1, severe. Identifiers: MedGen C3149841, MONDO:0008263, OMIM 173900.
Autosomal dominant polycystic kidney disease. Identifiers: Orphanet 730, MedGen C0085413, MONDO:0004691.

Allele frequency attached by ClinVar (database versions not stated): TOPMed 0.00312; gnomAD 0.00354 and 0.00388; 1000 Genomes Project 0.00399; 1000 Genomes Project 30x 0.00515; gnomAD exomes 0.00585; ExAC 0.01029.
gnomAD v4.1: 4,019 of 1,288,016 alleles (0.31%); highest among the groups gnomAD compares: Middle Eastern, 1%; 17 homozygotes.

Submissions (11):

CeGaT Center for Human Genetics Tuebingen
Classification: Likely benign. Last evaluated: 2025-11-01. Review status: criteria provided, single submitter. Criteria: CeGaT Center For Human Genetics Tuebingen Variant Classification Criteria Version 2. Collection method: clinical testing. Allele origin: germline. Affected: yes. Observed: 6 variant alleles.
Comment: PKD1: BP4, BP7, BS2

Women's Health and Genetics/Laboratory Corporation of America, LabCorp
Classification: Benign. Last evaluated: 2025-04-25. Review status: criteria provided, single submitter. Criteria: LabCorp Variant Classification Summary - May 2015. Collection method: clinical testing. Allele origin: germline.

Blueprint Genetics
Classification: Likely benign. Last evaluated: 2024-11-27. Review status: criteria provided, single submitter. Criteria: ACMG Guidelines, 2015. Collection method: clinical testing. Allele origin: germline.

Mayo Clinic Laboratories, Mayo Clinic
Classification: Benign. Last evaluated: 2024-01-24. Review status: criteria provided, single submitter. Criteria: ACMG Guidelines, 2015. Collection method: clinical testing. Allele origin: germline. Observed: 8 variant alleles.
Comment: BS1, BS2, BP4, BP7

Fulgent Genetics
Classification: Benign for Polycystic kidney disease, adult type. Last evaluated: 2021-11-29. Review status: criteria provided, single submitter. Criteria: ACMG Guidelines, 2015. Collection method: clinical testing. Allele origin: unknown.

ARUP Laboratories, Molecular Genetics and Genomics, ARUP Laboratories
Classification: Benign for Polycystic kidney disease, adult type. Last evaluated: 2020-04-06. Review status: criteria provided, single submitter. Criteria: ARUP Molecular Germline Variant Investigation Process. Collection method: clinical testing. Allele origin: germline.

GeneDx
Classification: Benign. Last evaluated: 2020-01-15. Review status: criteria provided, single submitter. Criteria: GeneDx Variant Classification Process June 2021. Collection method: clinical testing. Allele origin: germline. Affected: yes.
Comment: This variant is associated with the following publications: (PMID: 11857740, 11840199, 11316854, 22383692, 11115377)

Molecular Genetics of Inherited Kidney Disorders Laboratory, Garvan Institute of Medical Research
Classification: Benign for Autosomal dominant polycystic kidney disease. Last evaluated: 2019-01-01. Review status: criteria provided, single submitter. Criteria: ACMG Guidelines, 2015. Collection method: research. Allele origin: germline. Affected: yes.

Athena Diagnostics
Classification: Benign. Last evaluated: 2017-10-09. Review status: criteria provided, single submitter. Criteria: Athena Diagnostics Criteria. Collection method: clinical testing. Allele origin: germline.

Breakthrough Genomics
Classification: Benign. Review status: criteria provided, single submitter. Criteria: ACMG Guidelines, 2015. Collection method: not provided. Allele origin: germline. Inheritance: Autosomal dominant inheritance. Affected: yes.

Department of Pathology and Laboratory Medicine, Sinai Health System
Classification: Benign. Review status: no assertion criteria provided. Collection method: clinical testing. Allele origin: unknown. Affected: yes. Study: The Canadian Open Genetics Repository (COGR). Not counted in ClinVar's aggregate classification.
Comment: The PKD1 p.Ala92Ala variant was identified in 3 of 722 proband chromosomes (frequency: 0.004) from individuals or families with ADPKD (Rossetti 2001, Rossetti 2012). The variant was also identified in dbSNP (ID: rs374518168) as â€šÃ„ÃºNAâ€šÃ„Ã¹ and in the 1000 Genomes Project in 20 of 5000 chromosomes (frequency: 0.004). The variant was also identified in the Exome Aggregation Consortium database (March 14, 2016) in 126 of 12248 chromosomes (frequency: 0.010) specifically in 3 in 188 (frequency: 0.016) Latino alleles, 90 in 7570 (frequency: 0.012) South Asians alleles including 3 homozygous individuals, 30 in 3556 (frequency: 0.008) European Non Finnish alleles, 1 in 578 (frequency: 0.002) African alleles, 2 in 134 (frequency: 0.015) other alleles, increasing the likelihood this could be a low frequency benign variant. In addition, the variant was listed in the GeneInsight COGR (1x benign) and in the ADPKD Mutation database (6x â€šÃ„ÃºLikely Neutralâ€šÃ„Ã¹). The p.Ala92Ala variant is not expected to have clinical significance because it does not result in a change of amino acid and is not located in a known consensus splice site. In addition, in silico or computational prediction software programs (SpliceSiteFinder, MaxEntScan, NNSPLICE, GeneSplicer, HumanSpliceFinder) do not predict a difference in splicing. In summary, based on the above information, this variant is classified as benign.

Literature cited by the submitters: PubMed 11857740 (cited by Athena Diagnostics).